The following is an entry in ClinVar:

NM_025179.4(PLXNA2):c.1290C>T (p.Asp430=)

Gene: PLXNA2 (plexin A2; minus strand). Cytogenetic location: 1q32.2.
Variant type: single nucleotide variant.
Coding change: c.1290C>T on transcript NM_025179.4 (MANE Select); coding-DNA position 1290, C replaced by T.
Protein change: p.Asp430=; no amino-acid change (aspartic acid 430 retained).
Molecular consequence: synonymous variant.
Genome position (GRCh38, 1-based): chr1:208,210,361, G>A on the plus strand (C>T on the coding strand, the complement: PLXNA2 is on the minus strand). VCF-style: chr1-208210361-G-A. GRCh37 (hg19) VCF-style: chr1-208383706-G-A.
Identifiers: ClinVar variation 721004 (VCV000721004.13), dbSNP rs73079947, ClinGen allele CA1373924.

ClinVar aggregate classification (germline): Benign. Review status: criteria provided, multiple submitters, no conflicts (2 of 4 stars). 3 submissions from 3 submitters: Benign (2). 1 of the submissions does not count toward it. Last evaluated 2025-12-25.

Conditions:
PLXNA2-related disorder. Also called: PLXNA2-related condition.

Allele frequency attached by ClinVar (database versions not stated): gnomAD exomes 0.00117 and 0.00282; ExAC 0.00357; 1000 Genomes Project 0.01118; 1000 Genomes Project 30x 0.01140; gnomAD 0.01165 and 0.01260; ESP Exome Variant Server 0.01330; TOPMed 0.01382.
gnomAD v4.1: 3,559 of 1,614,058 alleles (0.22%); highest among the groups gnomAD compares: African/African-American, 4.3%; 80 homozygotes.

Submissions (3):

Labcorp Genetics (formerly Invitae), Labcorp
Classification: Benign. Last evaluated: 2025-12-25. Review status: criteria provided, single submitter. Criteria: Invitae Variant Classification Sherloc (09022015). Collection method: clinical testing. Allele origin: germline.

Breakthrough Genomics
Classification: Benign. Review status: criteria provided, single submitter. Criteria: ACMG Guidelines, 2015. Collection method: not provided. Allele origin: germline. Inheritance: Unknown mechanism. Affected: yes.

PreventionGenetics, part of Exact Sciences
Classification: Benign for PLXNA2-related condition. Last evaluated: 2023-09-16. Review status: no assertion criteria provided. Collection method: clinical testing. Allele origin: germline. Not counted in ClinVar's aggregate classification.
Comment: This variant is classified as benign based on ACMG/AMP sequence variant interpretation guidelines (Richards et al. 2015 PMID: 25741868, with internal and published modifications).